The following is an entry in ClinVar:

NM_170606.3(KMT2C):c.13482G>A (p.Met4494Ile)

Gene: KMT2C (lysine methyltransferase 2C; minus strand). Cytogenetic location: 7q36.1.
Variant type: single nucleotide variant.
Coding change: c.13482G>A on transcript NM_170606.3 (MANE Select); coding-DNA position 13482, G replaced by A.
Protein change: p.Met4494Ile; replaces methionine 4494 with isoleucine.
Molecular consequence: missense variant.
Genome position (GRCh38, 1-based): chr7:152,148,445, C>T on the plus strand (G>A on the coding strand, the complement: KMT2C is on the minus strand). VCF-style: chr7-152148445-C-T. GRCh37 (hg19) VCF-style: chr7-151845530-C-T.
Other names: short protein forms M4494I.
Identifiers: ClinVar variation 4986614 (VCV004986614.1).
Genomic context (GRCh38, chr7:152,148,445, plus strand): 5'-TTGCTCATGAATTCCCTTTGGTTTGTGCATGGGGCAAAGCATAGTTTTGTCCTTAAAAAA[C>T]ATGCATTGTGCTTTAATGGCGCAAGTGAAGTGATAAATGTTGGTGCATCGAAATCTGTGG-3'
Protein context (NP_733751.2, residues 4484-4504): HFTCAIKAQC[Met4494Ile]FFKDKTMLCP

ClinVar aggregate classification (germline): Uncertain significance (1 of 4 stars; one submission).

Conditions:
KMT2C-related disorder. Also called: KMT2C-related condition; KMT2C-related disorders.

gnomAD v4.1: 1 of 1,614,280 alleles (0.000062%); highest among the groups gnomAD compares: Non-Finnish European, 0.000085%; no homozygotes.

Submission:

PreventionGenetics, part of Exact Sciences
Classification: Uncertain significance for KMT2C-related condition. Last evaluated: 2025-08-21. Review status: criteria provided, single submitter. Criteria: ACMG Guidelines, 2015. Collection method: clinical testing. Allele origin: germline.
Comment: The KMT2C c.13482G>A variant is predicted to result in the amino acid substitution p.Met4494Ile. To our knowledge, this variant has not been reported in the literature or in a large population database (gnomAD), indicating this variant is rare. At this time, the clinical significance of this variant is uncertain due to the absence of conclusive functional and genetic evidence.